The following is an entry in ClinVar:

NM_000426.4(LAMA2):c.7354T>A (p.Ser2452Thr)

Gene: LAMA2 (laminin subunit alpha 2; plus strand). Cytogenetic location: 6q22.33.
Variant type: single nucleotide variant.
Coding change: c.7354T>A on transcript NM_000426.4 (MANE Select); coding-DNA position 7354, T replaced by A.
Protein change: p.Ser2452Thr; replaces serine 2452 with threonine.
Molecular consequence: missense variant.
Genome position (GRCh38, 1-based): chr6:129,473,267, T>A. VCF-style: chr6-129473267-T-A. GRCh37 (hg19) VCF-style: chr6-129794412-T-A.
Other names: c.7354T>A, p.Ser2452Thr (NM_001079823.2); short protein forms S2452T.
Identifiers: ClinVar variation 1464677 (VCV001464677.6), dbSNP rs2114823703, ClinGen allele CA365624264.
Genomic context (GRCh38, chr6:129,473,267, plus strand): 5'-TTTACAGCCAATATATCAATTGTAGATATAGATACTAATCAGGAGGAGAATATAGCAACT[T>A]CGTCTTCTGGAAACAACTTTGGTCTTGACTTGAAAGCAGATGACAAAATATATTTTGGTG-3'
Protein context (NP_000417.3, residues 2442-2462): DTNQEENIAT[Ser2452Thr]SSGNNFGLDL

ClinVar aggregate classification (germline): Uncertain significance (1 of 4 stars; one submission).

Conditions:
LAMA2-related muscular dystrophy (LAMA2-RD). Also called: Laminin alpha 2-related dystrophy. Identifiers: MedGen C5679788, MONDO:0100228.

Allele frequency attached by ClinVar (database versions not stated): gnomAD 0.00001.
gnomAD v4.1: 3 of 1,609,932 alleles (0.00019%); highest among the groups gnomAD compares: Middle Eastern, 0.033%; no homozygotes.

Submission:

Labcorp Genetics (formerly Invitae), Labcorp
Classification: Uncertain significance for LAMA2-related muscular dystrophy. Last evaluated: 2022-03-18. Review status: criteria provided, single submitter. Criteria: Invitae Variant Classification Sherloc (09022015). Collection method: clinical testing. Allele origin: germline.
Comment: Advanced modeling of protein sequence and biophysical properties (such as structural, functional, and spatial information, amino acid conservation, physicochemical variation, residue mobility, and thermodynamic stability) performed at Invitae indicates that this missense variant is not expected to disrupt LAMA2 protein function. This sequence change replaces serine, which is neutral and polar, with threonine, which is neutral and polar, at codon 2452 of the LAMA2 protein (p.Ser2452Thr). This variant is not present in population databases (gnomAD no frequency). This variant has not been reported in the literature in individuals affected with LAMA2-related conditions. In summary, the available evidence is currently insufficient to determine the role of this variant in disease. Therefore, it has been classified as a Variant of Uncertain Significance.